The following is an entry in ClinVar:

NM_000540.3(RYR1):c.10609A>G (p.Lys3537Glu)

Gene: RYR1 (ryanodine receptor 1; plus strand). Cytogenetic location: 19q13.2.
Variant type: single nucleotide variant.
Coding change: c.10609A>G on transcript NM_000540.3 (MANE Select); coding-DNA position 10609, A replaced by G.
Protein change: p.Lys3537Glu; replaces lysine 3537 with glutamic acid.
Molecular consequence: missense variant.
Genome position (GRCh38, 1-based): chr19:38,525,485, A>G. VCF-style: chr19-38525485-A-G. GRCh37 (hg19) VCF-style: chr19-39016125-A-G.
Other names: c.10594A>G, p.Lys3532Glu (NM_001042723.2); short protein forms K3537E, K3532E.
Identifiers: ClinVar variation 590369 (VCV000590369.10), dbSNP rs1009040238, ClinGen allele CA308080877.

ClinVar aggregate classification (germline): Uncertain significance. Review status: criteria provided, multiple submitters, no conflicts (2 of 4 stars). 6 submissions from 6 submitters: Uncertain significance (6). Last evaluated 2025-07-01.

Conditions:
RYR1-related disorder. Also called: RYR1-related disorders; RYR1-related condition. Identifiers: MedGen CN239331.
Central core myopathy (CMYO1A). Also called: CONGENITAL MYOPATHY 1A, AUTOSOMAL DOMINANT, WITH SUSCEPTIBILITY TO MALIGNANT HYPERTHERMIA; Central core disease; Myopathy, central fibrillar. Identifiers: Orphanet 597, MedGen C5830701, MONDO:0007294, OMIM 117000.
Congenital multicore myopathy with external ophthalmoplegia (CMYO1B). Also called: MULTIMINICORE DISEASE WITH EXTERNAL OPHTHALMOPLEGIA; Congenital myopathy 1B, autosomal recessive; Minicore myopathy; Minicore myopathy with external ophthalmoplegia; MULTICORE MYOPATHY. Identifiers: Orphanet 598, Orphanet 98905, MedGen C1850674, MONDO:0009712, OMIM 255320, HP:0003789.
Congenital myopathy with fiber type disproportion. Also called: Congenital fiber-type disproportion myopathy; Congenital fiber-type disproportion. Identifiers: Orphanet 2020, MedGen C0546264, MONDO:0009711. Inheritance: all.
Malignant hyperthermia, susceptibility to, 1 (MHS1). Also called: Anesthesia related hyperthermia; Malignant hyperpyrexia; Fulminating hyperpyrexia; Pharmacogenic myopathy; RYR1-Related Malignant Hyperthermia Susceptibility; Malignant hyperthermia suceptibility 1. Identifiers: Orphanet 423, MedGen C2930980, MONDO:0007783, OMIM 145600.
King Denborough syndrome (KDS). Identifiers: MedGen C1840365, MONDO:0020485, OMIM 619542.

Allele frequency attached by ClinVar (database versions not stated): gnomAD exomes below 0.00001 and 0.00001; gnomAD 0.00001; TOPMed 0.00001.
gnomAD v4.1: 20 of 1,613,746 alleles (0.0012%); highest among the groups gnomAD compares: Non-Finnish European, 0.0016%; no homozygotes.

Submissions (6):

Color Diagnostics, LLC DBA Color Health
Classification: Uncertain significance for Malignant hyperthermia, susceptibility to, 1. Last evaluated: 2025-07-01. Review status: criteria provided, single submitter. Criteria: ACMG Guidelines, 2015. Collection method: clinical testing. Allele origin: germline.
Comment: This missense variant replaces lysine with glutamic acid at codon 3537 of the RYR1 protein. Computational prediction suggests that this variant may have deleterious impact on protein structure and function. To our knowledge, functional studies have not been reported for this variant. This variant has not been reported in individuals affected with RYR1-related disorders in the literature. This variant has been identified in 1/250832 chromosomes in the general population by the Genome Aggregation Database (gnomAD). The available evidence is insufficient to determine the role of this variant in disease conclusively. Therefore, this variant is classified as a Variant of Uncertain Significance.

All of Us Research Program, National Institutes of Health
Classification: Uncertain significance for Malignant hyperthermia, susceptibility to, 1. Last evaluated: 2024-03-05. Review status: criteria provided, single submitter. Criteria: ACMG Guidelines, 2015. Collection method: clinical testing. Allele origin: germline. Inheritance: Autosomal dominant inheritance. Observed: 3 variant alleles, 3 heterozygotes.
Comment: This missense variant replaces lysine with glutamic acid at codon 3537 of the RYR1 protein. Computational prediction suggests that this variant may have deleterious impact on protein structure and function (internally defined REVEL score threshold >= 0.7, PMID: 27666373). To our knowledge, functional studies have not been reported for this variant. This variant has not been reported in individuals affected with RYR1-related disorders in the literature. This variant has been identified in 1/250832 chromosomes in the general population by the Genome Aggregation Database (gnomAD). The available evidence is insufficient to determine the role of this variant in disease conclusively. Therefore, this variant is classified as a Variant of Uncertain Significance.

This study involves interpretation of variants in research participants for the purpose of population health screening. Participant phenotype was not available at the time of variant classification. Additional details can be found in publication PMID: 35346344, PMCID: PMC8962531

Labcorp Genetics (formerly Invitae), Labcorp
Classification: Uncertain significance for RYR1-related disorder. Last evaluated: 2024-03-04. Review status: criteria provided, single submitter. Criteria: Invitae Variant Classification Sherloc (09022015). Collection method: clinical testing. Allele origin: germline.
Comment: This sequence change replaces lysine, which is basic and polar, with glutamic acid, which is acidic and polar, at codon 3537 of the RYR1 protein (p.Lys3537Glu). This variant is not present in population databases (gnomAD no frequency). This variant has not been reported in the literature in individuals affected with RYR1-related conditions. ClinVar contains an entry for this variant (Variation ID: 590369). Advanced modeling of protein sequence and biophysical properties (such as structural, functional, and spatial information, amino acid conservation, physicochemical variation, residue mobility, and thermodynamic stability) performed at Invitae indicates that this missense variant is expected to disrupt RYR1 protein function with a positive predictive value of 80%. In summary, the available evidence is currently insufficient to determine the role of this variant in disease. Therefore, it has been classified as a Variant of Uncertain Significance.

Fulgent Genetics
Classification: Uncertain significance for Central core myopathy; Malignant hyperthermia, susceptibility to, 1; Congenital myopathy 4A, autosomal dominant; Congenital multicore myopathy with external ophthalmoplegia; King Denborough syndrome. Last evaluated: 2021-11-07. Review status: criteria provided, single submitter. Criteria: ACMG Guidelines, 2015. Collection method: clinical testing. Allele origin: unknown.

Baylor Genetics
Classification: Uncertain significance for Central core myopathy. Last evaluated: 2018-11-30. Review status: criteria provided, single submitter. Criteria: ACMG Guidelines, 2015. Collection method: clinical testing. Allele origin: maternal. Affected: yes.
Comment: This variant was determined to be of uncertain significance according to ACMG Guidelines, 2015 [PMID:25741868].

PreventionGenetics, part of Exact Sciences
Classification: Uncertain significance. Last evaluated: 2013-10-28. Review status: criteria provided, single submitter. Criteria: ACMG Guidelines, 2015. Collection method: clinical testing. Allele origin: germline.